The following is an entry in ClinVar:

ClinVar aggregate classification (germline): Likely pathogenic (1 of 4 stars; one submission).

Allele frequency attached by ClinVar (database versions not stated): ExAC 0.00001; gnomAD 0.00001.
gnomAD v4.1: 1 of 1,209,067 alleles (0.000083%); highest among the groups gnomAD compares: Non-Finnish European, 0.00011%; no homozygotes.

Submission:

GeneDx
Classification: Likely pathogenic. Last evaluated: 2022-12-12. Review status: criteria provided, single submitter. Criteria: GeneDx Variant Classification Process June 2021. Collection method: clinical testing. Allele origin: germline. Affected: yes.
Comment: Not observed at significant frequency in large population cohorts (gnomAD); In silico analysis supports that this missense variant has a deleterious effect on protein structure/function; This variant is associated with the following publications: (PMID: 16509032, 31965297)

NM_000074.3(CD40LG):c.509A>G (p.Tyr170Cys)

Gene: CD40LG (CD40 ligand; plus strand). Cytogenetic location: Xq26.3.
Variant type: single nucleotide variant.
Coding change: c.509A>G on transcript NM_000074.3 (MANE Select); coding-DNA position 509, A replaced by G.
Protein change: p.Tyr170Cys; replaces tyrosine 170 with cysteine.
Molecular consequence: missense variant.
Genome position (GRCh38, 1-based): chrX:136,659,138, A>G. VCF-style: chrX-136659138-A-G. GRCh37 (hg19) VCF-style: chrX-135741297-A-G.
Other names: short protein forms Y170C.
Identifiers: ClinVar variation 2504668 (VCV002504668.1), dbSNP rs756468554, ClinGen allele CA10528152.